The following is an entry in ClinVar:

NM_004586.3(RPS6KA3):c.2170T>C (p.Ser724Pro)

Gene: RPS6KA3 (ribosomal protein S6 kinase A3; minus strand). Cytogenetic location: Xp22.12.
Variant type: single nucleotide variant.
Coding change: c.2170T>C on transcript NM_004586.3 (MANE Select); coding-DNA position 2170, T replaced by C.
Protein change: p.Ser724Pro; replaces serine 724 with proline.
Molecular consequence: missense variant.
Genome position (GRCh38, 1-based): chrX:20,155,451, A>G on the plus strand (T>C on the coding strand, the complement: RPS6KA3 is on the minus strand). VCF-style: chrX-20155451-A-G. GRCh37 (hg19) VCF-style: chrX-20173569-A-G.
Other names: short protein forms S724P.
Identifiers: ClinVar variation 3360433 (VCV003360433.1).
Genomic context (GRCh38, chrX:20,155,451, plus strand): 5'-GGTCACTTCACAGGGCTGTTGAGGTGATTTTTTTAATACCTCTCCGCTGAGCAAGAGTAG[A>G]GCGGCCTACTGGTTCCAAAACTGGTGACTGATTACGGTTCAAAGCAGAATATGTAGCTGC-3'
Protein context (NP_004577.1, residues 714-734): QSPVLEPVGR[Ser724Pro]TLAQRRGIKK

ClinVar aggregate classification (germline): Uncertain significance (1 of 4 stars; one submission).

Submission:

GeneDx
Classification: Uncertain significance. Last evaluated: 2023-06-27. Review status: criteria provided, single submitter. Criteria: GeneDx Variant Classification Process June 2021. Collection method: clinical testing. Allele origin: germline. Affected: yes.
Comment: Not observed at significant frequency in large population cohorts (gnomAD); In silico analysis supports that this missense variant has a deleterious effect on protein structure/function; Has not been previously published as pathogenic or benign to our knowledge